The following is an entry in ClinVar:

ClinVar aggregate classification (germline): Uncertain significance (0 of 4 stars; one submission).

Conditions:
MED1-related condition.

Submission:

PreventionGenetics, part of Exact Sciences
Classification: Uncertain significance for MED1-related condition. Last evaluated: 2024-09-10. Review status: no assertion criteria provided. Collection method: clinical testing. Allele origin: germline.
Comment: The MED1 c.305delA variant is predicted to result in a frameshift and premature protein termination (p.Tyr102Serfs*13). To our knowledge, this variant has not been reported in the literature or in a large population database, indicating this variant is rare. At this time, the clinical significance of this variant is uncertain due to the absence of conclusive functional and genetic evidence.

NM_004774.4(MED1):c.305del (p.Tyr102fs)

Gene: MED1 (mediator complex subunit 1; minus strand). Cytogenetic location: 17q12.
Variant type: Deletion.
Coding change: c.305del on transcript NM_004774.4 (MANE Select); coding-DNA position 305, one base deleted (A; older notation c.305delA).
Protein change: p.Tyr102fs; shifts the reading frame from tyrosine 102.
Molecular consequence: frameshift variant.
Genome position (GRCh38, 1-based): chr17:39,440,480, T deleted on the plus strand (A on the coding strand, the reverse complement: MED1 is on the minus strand). VCF-style (leftmost placement, unchanged base first): chr17-39440479-GT-G. GRCh37 (hg19) VCF-style: chr17-37596732-GT-G.
Other names: short protein forms Y102fs.
Identifiers: ClinVar variation 3354343 (VCV003354343.1).